The following is an entry in ClinVar:

ClinVar aggregate classification (germline): Uncertain significance (1 of 4 stars; one submission).

Conditions:
Dilated cardiomyopathy 1G (CMD1G). Identifiers: Orphanet 154, MedGen C1858763, MONDO:0011400, OMIM 604145.
Autosomal recessive limb-girdle muscular dystrophy type 2J (LGMDR10). Also called: Limb-girdle muscular dystrophy, type 2J; MUSCULAR DYSTROPHY, LIMB-GIRDLE, AUTOSOMAL RECESSIVE 10. Identifiers: Orphanet 140922, MedGen C1837342, MONDO:0012127, OMIM 608807.

Allele frequency attached by ClinVar (database versions not stated): gnomAD 0.00001; TOPMed 0.00001.
gnomAD v4.1: 1 of 1,613,832 alleles (0.000062%); highest among the groups gnomAD compares: African/African-American, 0.0013%; no homozygotes.

Submission:

Labcorp Genetics (formerly Invitae), Labcorp
Classification: Uncertain significance for Dilated cardiomyopathy 1G; Autosomal recessive limb-girdle muscular dystrophy type 2J. Last evaluated: 2024-07-16. Review status: criteria provided, single submitter. Criteria: Invitae Variant Classification Sherloc (09022015). Collection method: clinical testing. Allele origin: germline.
Comment: This sequence change replaces lysine, which is basic and polar, with glutamic acid, which is acidic and polar, at codon 34464 of the TTN protein (p.Lys34464Glu). This variant is present in population databases (no rsID available, gnomAD 0.01%). This variant has not been reported in the literature in individuals affected with TTN-related conditions. ClinVar contains an entry for this variant (Variation ID: 2188723). An algorithm developed to predict the effect of missense changes on protein structure and function outputs the following: PolyPhen-2: "Not Available". The glutamic acid amino acid residue is found in multiple mammalian species, which suggests that this missense change does not adversely affect protein function. This variant is located in the M band of TTN (PMID: 25589632). Non-truncating variants in this region may be relevant for neuromuscular disorders, but have not been definitively shown to cause cardiomyopathy (PMID: 23975875). In summary, the available evidence is currently insufficient to determine the role of this variant in disease. Therefore, it has been classified as a Variant of Uncertain Significance.

Literature cited by the submitters: PubMed 25589632; PubMed 23975875.

NM_001267550.2(TTN):c.103390A>G (p.Lys34464Glu)

Genes: TTN-AS1 (TTN antisense RNA 1; plus strand), TTN (titin; minus strand). Cytogenetic location: 2q31.2.
Variant type: single nucleotide variant.
Coding change: c.103390A>G on transcript NM_001267550.2 (MANE Select); coding-DNA position 103390, A replaced by G.
Protein change: p.Lys34464Glu; replaces lysine 34464 with glutamic acid.
Molecular consequence: missense variant.
Genome position (GRCh38, 1-based): chr2:178,533,225, T>C on the plus strand (A>G on the coding strand, the complement: TTN is on the minus strand). VCF-style: chr2-178533225-T-C. GRCh37 (hg19) VCF-style: chr2-179397952-T-C.
Other names: c.98467A>G, p.Lys32823Glu (NM_001256850.1); c.76195A>G, p.Lys25399Glu (NM_003319.4); c.95686A>G, p.Lys31896Glu (NM_133378.4); c.76570A>G, p.Lys25524Glu (NM_133432.3); c.76771A>G, p.Lys25591Glu (NM_133437.4); short protein forms K25524E, K25399E, K31896E, K32823E, K25591E, K34464E.
Identifiers: ClinVar variation 2188723 (VCV002188723.3), dbSNP rs1207242068, ClinGen allele CA349414382.